The following is an entry in ClinVar:

ClinVar aggregate classification (germline): Uncertain significance (1 of 4 stars; one submission).

Submission:

GeneDx
Classification: Uncertain significance. Last evaluated: 2018-05-17. Review status: criteria provided, single submitter. Criteria: GeneDx Variant Classification (06012015). Collection method: clinical testing. Allele origin: germline. Affected: yes.
Comment: A variant of uncertain significance has been identified in the PRRT2 gene. The c.-65-2dupA variant has not been published as a pathogenic variant, nor has it been reported as a benign variant to our knowledge. No data are available from ethnically-matched control populations to assess the frequency of this variant. Several in silico splice prediction models predict that c.-65-2dupA diminishes the natural acceptor site of intron 1 and may lead to abnormal gene splicing. However, in the absence of RNA/functional studies, the actual effect of this sequence change in this individual is unknown. Therefore, based on the currently available information, it is unclear whether this variant is a pathogenic variant or a rare benign variant.

NM_145239.3(PRRT2):c.-65-2dup

Genes: MVP-DT (MVP divergent transcript; minus strand), PRRT2 (proline rich transmembrane protein 2; plus strand). Cytogenetic location: 16p11.2.
Variant type: Duplication.
Coding change: c.-65-2dup on transcript NM_145239.3 (MANE Select); the canonical splice acceptor site of the intron before 65 bases upstream of the start codon, one base duplicated (A; older notation c.-65-2dupA).
Molecular consequence: splice acceptor variant.
Genome position (GRCh38, 1-based): chr16:29,812,988, A duplicated. VCF-style (leftmost placement, unchanged base first): chr16-29812987-C-CA. GRCh37 (hg19) VCF-style: chr16-29824308-C-CA.
Other names: c.-65-2dupA (NM_145239.2); c.-65-2dup (NM_001256443.2, NM_001256442.2).
Identifiers: ClinVar variation 546404 (VCV000546404.2), dbSNP rs1555502538, ClinGen allele CA658824406.